The following is an entry in ClinVar:

ClinVar aggregate classification (germline): Likely pathogenic. Review status: criteria provided, multiple submitters, no conflicts (2 of 4 stars). 2 submissions from 2 submitters: Likely pathogenic (2). Last evaluated 2023-08-23.

Conditions:
Joubert syndrome. Also called: CEREBELLOPARENCHYMAL DISORDER IV; JOUBERT-BOLTSHAUSER SYNDROME; Familial aplasia of the vermis. Identifiers: Orphanet 475, MedGen C5979921, MONDO:0018772.
Nephronophthisis. Also called: Juvenile Nephronophthisis. Identifiers: Orphanet 655, MedGen C0687120, MONDO:0019005, HP:0000090.
Meckel-Gruber syndrome. Also called: DYSENCEPHALIA SPLANCHNOCYSTICA; GRUBER SYNDROME; Dysencephalia splachnocystica. Identifiers: Orphanet 564, MedGen C0265215, MONDO:0018921.
Bardet-Biedl syndrome 14 (BBS14). Identifiers: Orphanet 110, MedGen C2673874, MONDO:0014442, OMIM 615991.

Allele frequency attached by ClinVar (database versions not stated): gnomAD 0.00001.
gnomAD v4.1: 5 of 1,601,102 alleles (0.00031%); highest among the groups gnomAD compares: Non-Finnish European, 0.00043%; no homozygotes.

Submissions (2):

Baylor Genetics
Classification: Likely pathogenic for Bardet-Biedl syndrome 14. Last evaluated: 2023-08-23. Review status: criteria provided, single submitter. Criteria: ACMG Guidelines, 2015. Collection method: clinical testing. Allele origin: unknown.

Labcorp Genetics (formerly Invitae), Labcorp
Classification: Likely pathogenic for Joubert syndrome; Meckel-Gruber syndrome; Nephronophthisis. Last evaluated: 2023-06-25. Review status: criteria provided, single submitter. Criteria: Invitae Variant Classification Sherloc (09022015). Collection method: clinical testing. Allele origin: germline.
Comment: This variant is not present in population databases (gnomAD no frequency). This sequence change affects a donor splice site in intron 2 of the CEP290 gene. It is expected to disrupt RNA splicing. Variants that disrupt the donor or acceptor splice site typically lead to a loss of protein function (PMID: 16199547), and loss-of-function variants in CEP290 are known to be pathogenic (PMID: 16909394, 17345604, 20690115). This variant has not been reported in the literature in individuals affected with CEP290-related conditions. In summary, the currently available evidence indicates that the variant is pathogenic, but additional data are needed to prove that conclusively. Therefore, this variant has been classified as Likely Pathogenic. Algorithms developed to predict the effect of sequence changes on RNA splicing suggest that this variant may disrupt the consensus splice site. ClinVar contains an entry for this variant (Variation ID: 2061784).

Literature cited by the submitters: PubMed 16199547 (cited by Labcorp Genetics (formerly Invitae), Labcorp); PubMed 16909394 (cited by Labcorp Genetics (formerly Invitae), Labcorp); PubMed 17345604 (cited by Labcorp Genetics (formerly Invitae), Labcorp); PubMed 20690115 (cited by Labcorp Genetics (formerly Invitae), Labcorp).

NM_025114.4(CEP290):c.102+2T>A

Gene: CEP290 (centrosomal protein 290; minus strand). Cytogenetic location: 12q21.32.
Variant type: single nucleotide variant.
Coding change: c.102+2T>A on transcript NM_025114.4 (MANE Select); the canonical splice donor site of the intron after coding-DNA position 102, T replaced by A.
Molecular consequence: splice donor variant.
Genome position (GRCh38, 1-based): chr12:88,141,204, A>T on the plus strand (T>A on the coding strand, the complement: CEP290 is on the minus strand). VCF-style: chr12-88141204-A-T. GRCh37 (hg19) VCF-style: chr12-88534981-A-T.
Identifiers: ClinVar variation 2061784 (VCV002061784.5), dbSNP rs763226787, ClinGen allele CA385990065.